The following is an entry in ClinVar:

NM_001025616.3(ARHGAP24):c.1904G>A (p.Gly635Asp)

Gene: ARHGAP24 (Rho GTPase activating protein 24; plus strand). Cytogenetic location: 4q21.23.
Variant type: single nucleotide variant.
Coding change: c.1904G>A on transcript NM_001025616.3 (MANE Select); coding-DNA position 1904, G replaced by A.
Protein change: p.Gly635Asp; replaces glycine 635 with aspartic acid.
Molecular consequence: missense variant.
Genome position (GRCh38, 1-based): chr4:85,995,558, G>A. VCF-style: chr4-85995558-G-A. GRCh37 (hg19) VCF-style: chr4-86916711-G-A.
Other names: p.Gly635Asp; c.1619G>A, p.Gly540Asp (NM_001042669.2); c.1649G>A, p.Gly550Asp (NM_001287805.2); c.1325G>A, p.Gly442Asp (NM_001346093.2); c.1625G>A, p.Gly542Asp (NM_031305.3); c.1904G>A (NM_001025616.2); short protein forms G442D, G540D, G542D, G550D, G635D.
Identifiers: ClinVar variation 3379545 (VCV003379545.2).

ClinVar aggregate classification (germline): Uncertain significance. Review status: criteria provided, multiple submitters, no conflicts (2 of 4 stars). 2 submissions from 2 submitters: Uncertain significance (2). Last evaluated 2025-01-22.

gnomAD v4.1: 10 of 1,612,502 alleles (0.00062%); highest among the groups gnomAD compares: Non-Finnish European, 0.00068%; no homozygotes.

Submissions (2):

Ambry Genetics
Classification: Uncertain significance. Last evaluated: 2025-01-22. Review status: criteria provided, single submitter. Criteria: Ambry Variant Classification Scheme 2023. Collection method: clinical testing. Allele origin: germline.

Mayo Clinic Laboratories, Mayo Clinic
Classification: Uncertain significance. Last evaluated: 2024-08-14. Review status: criteria provided, single submitter. Criteria: ACMG Guidelines, 2015. Collection method: clinical testing. Allele origin: germline. Observed: 1 variant allele.
Comment: BP4